The following is an entry in ClinVar:

ClinVar aggregate classification (germline): Uncertain significance (1 of 4 stars; one submission).

Allele frequency attached by ClinVar (database versions not stated): gnomAD 0.00001; 1000 Genomes Project 30x 0.00016; 1000 Genomes Project 0.00020.
gnomAD v4.1: 21 of 1,607,244 alleles (0.0013%); highest among the groups gnomAD compares: Non-Finnish European, 0.0017%; no homozygotes.

Submission:

Labcorp Genetics (formerly Invitae), Labcorp
Classification: Uncertain significance. Last evaluated: 2026-01-19. Review status: criteria provided, single submitter. Criteria: Invitae Variant Classification Sherloc (09022015). Collection method: clinical testing. Allele origin: germline.
Comment: This sequence change replaces aspartic acid, which is acidic and polar, with histidine, which is basic and polar, at codon 103 of the FREM2 protein (p.Asp103His). This variant is present in population databases (rs201252176, gnomAD 0.0009%). This variant has not been reported in the literature in individuals affected with FREM2-related conditions. ClinVar contains an entry for this variant (Variation ID: 1919204). Invitae Evidence Modeling of protein sequence and biophysical properties (such as structural, functional, and spatial information, amino acid conservation, physicochemical variation, residue mobility, and thermodynamic stability) has been performed for this missense variant. However, the output from this modeling did not meet the statistical confidence thresholds required to predict the impact of this variant on FREM2 protein function. In summary, the available evidence is currently insufficient to determine the role of this variant in disease. Therefore, it has been classified as a Variant of Uncertain Significance.

NM_207361.6(FREM2):c.307G>C (p.Asp103His)

Gene: FREM2 (FRAS1 related extracellular matrix 2; plus strand). Cytogenetic location: 13q13.3.
Variant type: single nucleotide variant.
Coding change: c.307G>C on transcript NM_207361.6 (MANE Select); coding-DNA position 307, G replaced by C.
Protein change: p.Asp103His; replaces aspartic acid 103 with histidine.
Molecular consequence: missense variant.
Genome position (GRCh38, 1-based): chr13:38,687,651, G>C. VCF-style: chr13-38687651-G-C. GRCh37 (hg19) VCF-style: chr13-39261788-G-C.
Other names: short protein forms D103H.
Identifiers: ClinVar variation 1919204 (VCV001919204.3), dbSNP rs201252176, ClinGen allele CA248285368.
Genomic context (GRCh38, chr13:38,687,651, plus strand): 5'-TTCGGCCGTGAAGTCTGGCTGGATCCCCTGCATGACCTGGTGTTGCAGGTGCAGCCCGGG[G>C]ACCGCTGCGCGGTTTCGGTACTAGACAACGACGCACTGGCCCAGCGACCGGGCCGCCTGA-3'
Protein context (NP_997244.4, residues 93-113): HDLVLQVQPG[Asp103His]RCAVSVLDND